The following is an entry in ClinVar:

NM_002691.4(POLD1):c.1007A>C (p.Gln336Pro)

Gene: POLD1 (DNA polymerase delta 1, catalytic subunit; plus strand). Cytogenetic location: 19q13.33.
Variant type: single nucleotide variant.
Coding change: c.1007A>C on transcript NM_002691.4 (MANE Select); coding-DNA position 1007, A replaced by C.
Protein change: p.Gln336Pro; replaces glutamine 336 with proline.
Molecular consequence: missense variant. On other transcripts: non-coding transcript variant (1).
Genome position (GRCh38, 1-based): chr19:50,403,089, A>C. VCF-style: chr19-50403089-A-C. GRCh37 (hg19) VCF-style: chr19-50906346-A-C.
Other names: c.1007A>C, p.Gln336Pro (NM_001256849.1, NM_001308632.1); short protein forms Q336P.
Identifiers: ClinVar variation 2861967 (VCV002861967.3), dbSNP rs2513972935, ClinGen allele CA406977941.

ClinVar aggregate classification (germline): Uncertain significance (1 of 4 stars; one submission).

Conditions:
POLD1-related polyposis and colorectal cancer syndrome (CRCS10). Also called: Colorectal cancer 10; COLORECTAL CANCER, SUSCEPTIBILITY TO, ON CHROMOSOME 19q; Colorectal cancer, susceptibility to, 10. Identifiers: Orphanet 220460, MedGen C2675481, MONDO:0012953, OMIM 612591.

Submission:

Labcorp Genetics (formerly Invitae), Labcorp
Classification: Uncertain significance for POLD1-related polyposis and colorectal cancer syndrome. Last evaluated: 2025-07-31. Review status: criteria provided, single submitter. Criteria: Invitae Variant Classification Sherloc (09022015). Collection method: clinical testing. Allele origin: germline.
Comment: This sequence change replaces glutamine, which is neutral and polar, with proline, which is neutral and non-polar, at codon 336 of the POLD1 protein (p.Gln336Pro). This variant is not present in population databases (gnomAD no frequency). This variant has not been reported in the literature in individuals affected with POLD1-related conditions. ClinVar contains an entry for this variant (Variation ID: 2861967). Invitae Evidence Modeling of protein sequence and biophysical properties (such as structural, functional, and spatial information, amino acid conservation, physicochemical variation, residue mobility, and thermodynamic stability) indicates that this missense variant is expected to disrupt POLD1 protein function with a positive predictive value of 80%. In summary, the available evidence is currently insufficient to determine the role of this variant in disease. Therefore, it has been classified as a Variant of Uncertain Significance.